The following is an entry in ClinVar:

ClinVar aggregate classification (germline): Pathogenic. Review status: criteria provided, multiple submitters, no conflicts (2 of 4 stars). 7 submissions from 7 submitters: Pathogenic (5). 2 of the submissions do not count toward it. Last evaluated 2025-10-24.

Conditions:
Intellectual developmental disorder, autosomal dominant 39. Also called: Intellectual disability, autosomal dominant 39; Mental retardation, autosomal dominant 39. Identifiers: MedGen C4225296, MONDO:0014678, OMIM 616521.

Submissions (7):

Labcorp Genetics (formerly Invitae), Labcorp
Classification: Pathogenic. Last evaluated: 2025-10-24. Review status: criteria provided, single submitter. Criteria: Invitae Variant Classification Sherloc (09022015). Collection method: clinical testing. Allele origin: germline.
Comment: This sequence change replaces glycine, which is neutral and non-polar, with arginine, which is basic and polar, at codon 527 of the MYT1L protein (p.Gly527Arg). This variant is not present in population databases (gnomAD no frequency). This missense change has been observed in individual(s) with MYT1L-related intellectual disability (PMID: 30796847). In at least one individual the variant was observed to be de novo. This variant is also known as c.1585G>A [Gly529Arg]. ClinVar contains an entry for this variant (Variation ID: 592088). Invitae Evidence Modeling of protein sequence and biophysical properties (such as structural, functional, and spatial information, amino acid conservation, physicochemical variation, residue mobility, and thermodynamic stability) indicates that this missense variant is expected to disrupt MYT1L protein function with a positive predictive value of 80%. For these reasons, this variant has been classified as Pathogenic.

Centre of Medical Genetics, University Hospital Muenster
Classification: Pathogenic. Last evaluated: 2025-07-17. Review status: criteria provided, single submitter. Criteria: ACMG Guidelines, 2015. Collection method: clinical testing. Allele origin: de novo. Affected: yes. Observed: 1 variant allele, 1 heterozygote.
Comment: ACMG categories: PS2,PS4_sup,PM1,PM2_sup,PP2,PP3_mod

3billion
Classification: Pathogenic for Intellectual developmental disorder, autosomal dominant 39. Last evaluated: 2024-02-22. Review status: criteria provided, single submitter. Criteria: ACMG Guidelines, 2015. Collection method: clinical testing. Allele origin: germline. Affected: yes.
Comment: The variant is not observed in the gnomAD v2.1.1 dataset. Predicted Consequence/Location: Missense variant In silico tool predictions suggest damaging effect of the variant on gene or gene product [REVEL: 0.81 (>=0.6, sensitivity 0.68 and specificity 0.92)]. Same nucleotide change resulting in same amino acid change has been previously reported as pathogenic/likely pathogenic with strong evidence (ClinVar ID: VCV000592088 /PMID: 28859103). The variant has been previously reported as de novo in a similarly affected individual (PMID: 28859103). Therefore, this variant is classified as Pathogenic according to the recommendation of ACMG/AMP guideline.

GeneDx
Classification: Pathogenic. Last evaluated: 2022-12-13. Review status: criteria provided, single submitter. Criteria: GeneDx Variant Classification Process June 2021. Collection method: clinical testing. Allele origin: germline. Affected: yes.
Comment: Not observed in large population cohorts (gnomAD); In silico analysis supports that this missense variant has a deleterious effect on protein structure/function; This variant is associated with the following publications: (PMID: 28859103, 30796847, 32267091, 33622623, 34748075)

Victorian Clinical Genetics Services, Murdoch Childrens Research Institute
Classification: Pathogenic for Intellectual developmental disorder, autosomal dominant 39. Last evaluated: 2022-02-02. Review status: criteria provided, single submitter. Criteria: ACMG Guidelines, 2015. Collection method: clinical testing. Allele origin: germline. Inheritance: Autosomal dominant inheritance. Affected: yes.
Comment: Based on the classification scheme VCGS_Germline_v1.3.4, this variant is classified as Pathogenic. Following criteria are met: 0102 - Loss of function is a known mechanism of disease in this gene and is associated with autosomal dominant intellectual disability 39 (MIM#616521). (I) 0107 - This gene is associated with autosomal dominant disease. (I) 0200 - Variant is predicted to result in a missense amino acid change from glycine to arginine. (I) 0251 - This variant is heterozygous. (I) 0301 - Variant is absent from gnomAD (both v2 and v3). (SP) 0501 - Missense variant consistently predicted to be damaging by multiple in silico tools or highly conserved with a major amino acid change. (SP) 0600 - Variant is located in the annotated C2HC type zinc finger domain (DECIPHER). (I) 0801 - This variant has strong previous evidence of pathogenicity in unrelated individuals. It has been reported as de novo in several individuals with MYT1L-related intellectual disability or global developmental delay (PMIDs: 28859103, 30796847 and ClinVar). (SP) Legend: (SP) - Supporting pathogenic, (I) - Information, (SB) - Supporting benign

Department of Genetics, Rouen University Hospital, Normandy Center for Genomic and Personalized Medicine
Classification: Likely pathogenic for Intellectual developmental disorder, autosomal dominant 39. Last evaluated: 2020-04-03. Review status: no assertion criteria provided. Collection method: clinical testing. Allele origin: de novo. Affected: yes. Not counted in ClinVar's aggregate classification.

Biochemical Molecular Genetic Laboratory, King Abdulaziz Medical City
Classification: Pathogenic for Intellectual developmental disorder, autosomal dominant 39. Last evaluated: 2018-04-13. Review status: no assertion criteria provided. Collection method: clinical testing. Allele origin: germline. Affected: yes. Not counted in ClinVar's aggregate classification.

Literature cited by the submitters: PubMed 30796847 (cited by Labcorp Genetics (formerly Invitae), Labcorp and Victorian Clinical Genetics Services, Murdoch Childrens Research Institute); PubMed 28859103 (cited by 3billion and Victorian Clinical Genetics Services, Murdoch Childrens Research Institute).

NM_001303052.2(MYT1L):c.1585G>A (p.Gly529Arg)

Gene: MYT1L (myelin transcription factor 1 like; minus strand). Cytogenetic location: 2p25.3.
Variant type: single nucleotide variant.
Coding change: c.1585G>A on transcript NM_001303052.2 (MANE Select); coding-DNA position 1585, G replaced by A.
Protein change: p.Gly529Arg; replaces glycine 529 with arginine.
Molecular consequence: missense variant.
Genome position (GRCh38, 1-based): chr2:1,917,238, C>T on the plus strand (G>A on the coding strand, the complement: MYT1L is on the minus strand). VCF-style: chr2-1917238-C-T. GRCh37 (hg19) VCF-style: chr2-1921010-C-T.
Other names: c.1585G>A, p.Gly529Arg (NM_001329844.2, NM_001329845.1, NM_001329851.3); c.1579G>A, p.Gly527Arg (NM_001329846.3, NM_001329847.2, NM_001329848.1 and 3 more transcripts); short protein forms G529R, G527R.
Identifiers: ClinVar variation 592088 (VCV000592088.11), dbSNP rs1275489527, ClinGen allele CA345701943.
Genomic context (GRCh38, chr2:1,917,238, plus strand): 5'-AAGGGTAGCGGTGAGACGTGGACTTACTTTCTGGAGGGACCCTATCTTTGTGCGGGCATC[C>T]GGACAGGCTGCGGTGATGTGGGTACAGCCCAGTTACGTGGCCGGTTCCATCACACCCGGG-3'
Protein context (NP_001289981.1, residues 519-539): GLYPHHRSLS[Gly529Arg]CPHKDRVPPE